The following is an entry in ClinVar:

NM_001367823.1(ARHGEF18):c.4031C>T (p.Ala1344Val)

Gene: ARHGEF18 (Rho/Rac guanine nucleotide exchange factor 18; plus strand). Cytogenetic location: 19p13.2.
Variant type: single nucleotide variant.
Coding change: c.4031C>T on transcript NM_001367823.1 (MANE Select); coding-DNA position 4031, C replaced by T.
Protein change: p.Ala1344Val; replaces alanine 1344 with valine.
Molecular consequence: missense variant.
Genome position (GRCh38, 1-based): chr19:7,470,243, C>T. VCF-style: chr19-7470243-C-T. GRCh37 (hg19) VCF-style: chr19-7535129-C-T.
Other names: c.3305C>T, p.Ala1102Val (NM_001130955.2); c.2993C>T, p.Ala998Val (NM_001367824.1, NM_015318.4); short protein forms A1344V, A998V, A1102V.
Identifiers: ClinVar variation 1446185 (VCV001446185.7), dbSNP rs370844071, ClinGen allele CA304858737.

ClinVar aggregate classification (germline): Uncertain significance. Review status: criteria provided, multiple submitters, no conflicts (2 of 4 stars). 2 submissions from 2 submitters: Uncertain significance (2). Last evaluated 2022-09-07.

Allele frequency attached by ClinVar (database versions not stated): gnomAD 0.00001; TOPMed 0.00001; gnomAD exomes 0.00002; ESP Exome Variant Server 0.00008.
gnomAD v4.1: 26 of 1,605,252 alleles (0.0016%); highest among the groups gnomAD compares: East Asian, 0.0022%; no homozygotes.

Submissions (2):

Labcorp Genetics (formerly Invitae), Labcorp
Classification: Uncertain significance. Last evaluated: 2022-09-07. Review status: criteria provided, single submitter. Criteria: Invitae Variant Classification Sherloc (09022015). Collection method: clinical testing. Allele origin: germline.
Comment: This sequence change replaces alanine, which is neutral and non-polar, with valine, which is neutral and non-polar, at codon 1156 of the ARHGEF18 protein (p.Ala1156Val). This variant is present in population databases (rs370844071, gnomAD 0.002%). This variant has not been reported in the literature in individuals affected with ARHGEF18-related conditions. ClinVar contains an entry for this variant (Variation ID: 1446185). Algorithms developed to predict the effect of missense changes on protein structure and function are either unavailable or do not agree on the potential impact of this missense change (SIFT: "Tolerated"; PolyPhen-2: "Possibly Damaging"; Align-GVGD: "Class C0"). In summary, the available evidence is currently insufficient to determine the role of this variant in disease. Therefore, it has been classified as a Variant of Uncertain Significance.

Blueprint Genetics
Classification: Uncertain significance. Last evaluated: 2020-08-31. Review status: criteria provided, single submitter. Criteria: ACMG Guidelines, 2015. Collection method: clinical testing. Allele origin: germline.